The following is an entry in ClinVar:

NM_001110556.2(FLNA):c.3887G>A (p.Arg1296His)

Gene: FLNA (filamin A; minus strand). Cytogenetic location: Xq28.
Variant type: single nucleotide variant.
Coding change: c.3887G>A on transcript NM_001110556.2 (MANE Select); coding-DNA position 3887, G replaced by A.
Protein change: p.Arg1296His; replaces arginine 1296 with histidine.
Molecular consequence: missense variant.
Genome position (GRCh38, 1-based): chrX:154,359,824, C>T on the plus strand (G>A on the coding strand, the complement: FLNA is on the minus strand). VCF-style: chrX-154359824-C-T. GRCh37 (hg19) VCF-style: chrX-153588192-C-T.
Other names: p.R1296H:CGT>CAT; p.Arg1296His; c.3887G>A, p.Arg1296His (NM_001456.4); short protein forms R1296H.
Identifiers: ClinVar variation 213474 (VCV000213474.11), dbSNP rs863223623, ClinGen allele CA324059.

ClinVar aggregate classification (germline): Conflicting classifications of pathogenicity. Review status: criteria provided, conflicting classifications (1 of 4 stars). 4 submissions from 4 submitters: Uncertain significance (3); Likely benign (1). Last evaluated 2026-06-06.

Conditions:
Heterotopia, periventricular, X-linked dominant (PVNH1). Also called: PERIVENTRICULAR NODULAR HETEROTOPIA 4; HETEROTOPIA, PERIVENTRICULAR, 1; X-linked periventricular heterotopia; PERIVENTRICULAR NODULAR HETEROTOPIA 1. Identifiers: Orphanet 2149, Orphanet 82004, MedGen C1848213, MONDO:0010233, OMIM 300049.
Oto-palato-digital syndrome, type II (OPD2). Also called: Otopalatodigital Syndrome, Type II; Otopalatodigital Syndrome Type 2 (FLNA-OPD2); FACIOPALATOOSSEOUS SYNDROME; OPD II SYNDROME. Identifiers: Orphanet 669, Orphanet 90652, MedGen C1844696, MONDO:0010571, OMIM 304120.
Frontometaphyseal dysplasia (FMD1). Identifiers: Orphanet 1826, MedGen C0265293, MONDO:0015942.
Melnick-Needles syndrome (MNS). Also called: Melnick-Needles Syndrome (FLNA-MNS); MELNICK-NEEDLES OSTEODYSPLASTY; OSTEODYSPLASTY OF MELNICK AND NEEDLES. Identifiers: Orphanet 2484, MedGen C0025237, MONDO:0010650, OMIM 309350.
Familial thoracic aortic aneurysm and aortic dissection (TAAD). Also called: Thoracic aortic aneurysms and dissections. Identifiers: Orphanet 91387, MedGen C4707243, MONDO:0019625.

Allele frequency attached by ClinVar (database versions not stated): gnomAD exomes 0.00001; TOPMed 0.00004; gnomAD 0.00001.
gnomAD v4.1: 9 of 1,209,300 alleles (0.00074%); highest among the groups gnomAD compares: Non-Finnish European, 0.001%; no homozygotes.

Submissions (4):

Ambry Genetics
Classification: Uncertain significance for Familial thoracic aortic aneurysm and aortic dissection. Last evaluated: 2026-06-06. Review status: criteria provided, single submitter. Criteria: Ambry Variant Classification Scheme 2023. Collection method: clinical testing. Allele origin: germline.
Comment: The p.R1296H variant (also known as c.3887G>A), located in coding exon 22 of the FLNA gene, results from a G to A substitution at nucleotide position 3887. The arginine at codon 1296 is replaced by histidine, an amino acid with highly similar properties. This amino acid position is conserved. In addition, this alteration is predicted to be tolerated by in silico analysis. Based on the available evidence, the clinical significance of this variant remains unclear.

Mayo Clinic Laboratories, Mayo Clinic
Classification: Uncertain significance. Last evaluated: 2024-11-12. Review status: criteria provided, single submitter. Criteria: ACMG Guidelines, 2015. Collection method: clinical testing. Allele origin: germline. Observed: 1 variant allele.
Comment: BS2, PP2

Labcorp Genetics (formerly Invitae), Labcorp
Classification: Likely benign for Oto-palato-digital syndrome, type II; Heterotopia, periventricular, X-linked dominant; Frontometaphyseal dysplasia; Melnick-Needles syndrome. Last evaluated: 2024-05-22. Review status: criteria provided, single submitter. Criteria: Invitae Variant Classification Sherloc (09022015). Collection method: clinical testing. Allele origin: germline.

GeneDx
Classification: Uncertain significance. Last evaluated: 2024-05-10. Review status: criteria provided, single submitter. Criteria: GeneDx Variant Classification Process June 2021. Collection method: clinical testing. Allele origin: germline. Affected: yes.
Comment: In silico analysis indicates that this missense variant does not alter protein structure/function; Has not been previously published as pathogenic or benign to our knowledge